The following is an entry in ClinVar:

ClinVar aggregate classification (germline): Likely benign (1 of 4 stars; one submission).

Allele frequency attached by ClinVar (database versions not stated): gnomAD 0.00050; ESP Exome Variant Server 0.00054; TOPMed 0.00055; 1000 Genomes Project 0.00060; ExAC 0.00061; gnomAD exomes 0.00077; 1000 Genomes Project 30x 0.00078.
gnomAD v4.1: 1,179 of 1,600,988 alleles (0.074%); highest among the groups gnomAD compares: Non-Finnish European, 0.092%; 1 homozygote.

Submission:

CeGaT Center for Human Genetics Tuebingen
Classification: Likely benign. Last evaluated: 2023-11-01. Review status: criteria provided, single submitter. Criteria: CeGaT Center For Human Genetics Tuebingen Variant Classification Criteria Version 2. Collection method: clinical testing. Allele origin: germline. Affected: yes. Observed: 1 variant allele.
Comment: MAMDC4: BP4, BP7

NM_206920.3(MAMDC4):c.756C>T (p.Asp252=)

Gene: MAMDC4 (MAM domain containing 4; plus strand). Cytogenetic location: 9q34.3.
Variant type: single nucleotide variant.
Coding change: c.756C>T on transcript NM_206920.3 (MANE Select); coding-DNA position 756, C replaced by T.
Protein change: p.Asp252=; no amino-acid change (aspartic acid 252 retained).
Molecular consequence: synonymous variant.
Genome position (GRCh38, 1-based): chr9:136,854,296, C>T. VCF-style: chr9-136854296-C-T. GRCh37 (hg19) VCF-style: chr9-139748748-C-T.
Identifiers: ClinVar variation 2673208 (VCV002673208.23), dbSNP rs117376465, ClinGen allele CA5348122.